The following is an entry in ClinVar:

ClinVar aggregate classification (germline): Uncertain significance. Review status: criteria provided, multiple submitters, no conflicts (2 of 4 stars). 2 submissions from 2 submitters: Uncertain significance (2). Last evaluated 2025-10-22.

Conditions:
Inborn genetic diseases. Identifiers: MedGen C0950123, MeSH D030342.

Allele frequency attached by ClinVar (database versions not stated): gnomAD 0.00001; gnomAD exomes 0.00001; ExAC 0.00002; TOPMed 0.00003.

Submissions (2):

Ambry Genetics
Classification: Uncertain significance for Inborn genetic diseases. Last evaluated: 2025-10-22. Review status: criteria provided, single submitter. Criteria: Ambry Variant Classification Scheme 2023. Collection method: clinical testing. Allele origin: germline.

Labcorp Genetics (formerly Invitae), Labcorp
Classification: Uncertain significance. Last evaluated: 2022-11-08. Review status: criteria provided, single submitter. Criteria: Invitae Variant Classification Sherloc (09022015). Collection method: clinical testing. Allele origin: germline.
Comment: In summary, the available evidence is currently insufficient to determine the role of this variant in disease. Therefore, it has been classified as a Variant of Uncertain Significance. Algorithms developed to predict the effect of missense changes on protein structure and function are either unavailable or do not agree on the potential impact of this missense change (SIFT: "Deleterious"; PolyPhen-2: "Possibly Damaging"; Align-GVGD: "Class C0"). This variant has not been reported in the literature in individuals affected with PRKCSH-related conditions. The frequency data for this variant in the population databases is considered unreliable, as metrics indicate poor data quality at this position in the gnomAD database. This sequence change replaces glycine, which is neutral and non-polar, with arginine, which is basic and polar, at codon 440 of the PRKCSH protein (p.Gly440Arg).

NM_001289104.2(PRKCSH):c.1339G>A (p.Gly447Arg)

Gene: PRKCSH (PRKCSH beta subunit of glucosidase II; plus strand). Cytogenetic location: 19p13.2.
Variant type: single nucleotide variant.
Coding change: c.1339G>A on transcript NM_001289104.2 (MANE Select); coding-DNA position 1339, G replaced by A.
Protein change: p.Gly447Arg; replaces glycine 447 with arginine.
Molecular consequence: missense variant.
Genome position (GRCh38, 1-based): chr19:11,448,966, G>A. VCF-style: chr19-11448966-G-A. GRCh37 (hg19) VCF-style: chr19-11559781-G-A.
Other names: c.1309G>A, p.Gly437Arg (NM_001001329.3, NM_001289102.2, NM_001379609.1); c.1339G>A, p.Gly447Arg (NM_001289103.2); c.1318G>A, p.Gly440Arg (NM_001379608.1, NM_002743.3); c.1318G>A (NM_002743.2); short protein forms G440R, G447R, G437R.
Identifiers: ClinVar variation 1928276 (VCV001928276.6), dbSNP rs751940439, ClinGen allele CA9213278.
Genomic context (GRCh38, chr19:11,448,966, plus strand): 5'-CTCCACAGATACGTCTACCGCCTCTGCCCCTTCAAGCTTGTCTCGCAGAAACCCAAACTC[G>A]GGGGCTCTCCCACCAGCCTTGGGTGAGTGGCTTGGGCTGGCCCCTTCCCTCTGCCTCCTC-3'
Protein context (NP_001276033.1, residues 437-457): FKLVSQKPKL[Gly447Arg]GSPTSLGTWG